The following is an entry in ClinVar:

NM_001009944.3(PKD1):c.10553del (p.Glu3518fs)

Genes: PKD1 (polycystin 1, transient receptor potential channel interacting; minus strand), PKD1-AS1 (PKD1 antisense RNA 1; plus strand). Cytogenetic location: 16p13.3.
Variant type: Deletion.
Coding change: c.10553del on transcript NM_001009944.3 (MANE Select); coding-DNA position 10553, one base deleted (A; older notation c.10553delA).
Protein change: p.Glu3518fs; shifts the reading frame from glutamic acid 3518.
Molecular consequence: frameshift variant.
Genome position (GRCh38, 1-based): chr16:2,094,157, T deleted on the plus strand (A on the coding strand, the reverse complement: PKD1 is on the minus strand). VCF-style (leftmost placement, unchanged base first): chr16-2094156-CT-C. GRCh37 (hg19) VCF-style: chr16-2144157-CT-C.
Other names: c.10550del, p.Glu3517fs (NM_000296.4); short protein forms E3517fs, E3518fs.
Identifiers: ClinVar variation 4996578 (VCV004996578.1).

ClinVar aggregate classification (germline): Pathogenic (1 of 4 stars; one submission).

Conditions:
PKD1-related disorder. Also called: PKD1-related condition.

Submission:

PreventionGenetics, part of Exact Sciences
Classification: Pathogenic for PKD1-related condition. Last evaluated: 2026-04-27. Review status: criteria provided, single submitter. Criteria: ACMG Guidelines, 2015. Collection method: clinical testing. Allele origin: germline.
Comment: The PKD1 c.10553delA variant is predicted to result in a frameshift and premature protein termination (p.Glu3518Glyfs*9). To our knowledge, this variant has not been reported in the literature or in a large population database (gnomAD), indicating this variant is rare. Frameshift variants in PKD1 are expected to be pathogenic. This variant is interpreted as pathogenic.